The following is an entry in ClinVar:

NM_001282874.2(SMARCA1):c.113G>T (p.Gly38Val)

Gene: SMARCA1 (SNF2 related chromatin remodeling ATPase 1; minus strand). Cytogenetic location: Xq26.1.
Variant type: single nucleotide variant.
Coding change: c.113G>T on transcript NM_001282874.2 (MANE Select); coding-DNA position 113, G replaced by T.
Protein change: p.Gly38Val; replaces glycine 38 with valine.
Molecular consequence: missense variant.
Genome position (GRCh38, 1-based): chrX:129,523,258, C>A on the plus strand (G>T on the coding strand, the complement: SMARCA1 is on the minus strand). VCF-style: chrX-129523258-C-A. GRCh37 (hg19) VCF-style: chrX-128657235-C-A.
Other names: c.113G>T, p.Gly38Val (NM_001282875.2, NM_001378261.1, NM_001378262.1 and 3 more transcripts); short protein forms G38V.
Identifiers: ClinVar variation 3899507 (VCV003899507.1).

ClinVar aggregate classification (germline): Uncertain significance (1 of 4 stars; one submission).

Submission:

GeneDx
Classification: Uncertain significance. Last evaluated: 2022-08-18. Review status: criteria provided, single submitter. Criteria: GeneDx Variant Classification Process June 2021. Collection method: clinical testing. Allele origin: germline. Affected: yes.
Comment: Not observed at significant frequency in large population cohorts (gnomAD); In silico analysis supports that this missense variant does not alter protein structure/function; Has not been previously published as pathogenic or benign to our knowledge; Variants in candidate genes are classified as variants of uncertain significance in accordance with ACMG guidelines (Richards et al., 2015)